The following is an entry in ClinVar:

NM_000276.4(OCRL):c.2469+2T>G

Gene: OCRL (OCRL inositol polyphosphate-5-phosphatase; plus strand). Cytogenetic location: Xq26.1.
Variant type: single nucleotide variant.
Coding change: c.2469+2T>G on transcript NM_000276.4 (MANE Select); the canonical splice donor site of the intron after coding-DNA position 2469, T replaced by G.
Molecular consequence: splice donor variant.
Genome position (GRCh38, 1-based): chrX:129,589,015, T>G. VCF-style: chrX-129589015-T-G. GRCh37 (hg19) VCF-style: chrX-128722992-T-G.
Other names: c.2472+2T>G (NM_001318784.2); c.2445+2T>G (NM_001587.4).
Identifiers: ClinVar variation 4710879 (VCV004710879.1).
Genomic context (GRCh38, chrX:129,589,015, plus strand): 5'-GTTACGAGCTGTATCAGCGATGTCTTGACTCTGCTTATGATCCCCGGATCTGCCGACAGG[T>G]GGGTTCTACTGACCTGGGGATGTGTTTGACGCAGATTGCCCCATAGAGAAGTCGTCAGTT-3'

ClinVar aggregate classification (germline): Likely pathogenic (1 of 4 stars; one submission).

Conditions:
Lowe syndrome (OCRL). Also called: LOWE OCULOCEREBRORENAL SYNDROME; PHOSPHATIDYLINOSITOL 4,5-BISPHOSPHATE 5-PHOSPHATASE DEFICIENCY; Oculocerebrorenal Syndrome. Identifiers: Orphanet 534, MedGen C0028860, MONDO:0010645, OMIM 309000.

gnomAD v4.1: 1 of 1,211,261 alleles (0.000083%); highest among the groups gnomAD compares: Non-Finnish European, 0.00011%; no homozygotes.

Submission:

Labcorp Genetics (formerly Invitae), Labcorp
Classification: Likely pathogenic for Lowe syndrome. Last evaluated: 2025-04-23. Review status: criteria provided, single submitter. Criteria: Invitae Variant Classification Sherloc (09022015). Collection method: clinical testing. Allele origin: germline.
Comment: This sequence change affects a donor splice site in intron 22 of the OCRL gene. It is expected to disrupt RNA splicing. Variants that disrupt the donor or acceptor splice site typically lead to a loss of protein function (PMID: 16199547), and loss-of-function variants in OCRL are known to be pathogenic (PMID: 19390221, 21031565, 22381590). This variant is not present in population databases (gnomAD no frequency). Disruption of this splice site has been observed in individual(s) with Lowe syndrome (PMID: 21031565). Algorithms developed to predict the effect of sequence changes on RNA splicing suggest that this variant may disrupt the consensus splice site. In summary, the currently available evidence indicates that the variant is pathogenic, but additional data are needed to prove that conclusively. Therefore, this variant has been classified as Likely Pathogenic.

Literature cited by the submitters: PubMed 16199547; PubMed 19390221; PubMed 21031565; PubMed 22381590.